The following is an entry in ClinVar:

NM_017617.5(NOTCH1):c.6440G>T (p.Gly2147Val)

Gene: NOTCH1 (notch receptor 1; minus strand). Cytogenetic location: 9q34.3.
Variant type: single nucleotide variant.
Coding change: c.6440G>T on transcript NM_017617.5 (MANE Select); coding-DNA position 6440, G replaced by T.
Protein change: p.Gly2147Val; replaces glycine 2147 with valine.
Molecular consequence: missense variant.
Genome position (GRCh38, 1-based): chr9:136,497,299, C>A on the plus strand (G>T on the coding strand, the complement: NOTCH1 is on the minus strand). VCF-style: chr9-136497299-C-A. GRCh37 (hg19) VCF-style: chr9-139391751-C-A.
Other names: short protein forms G2147V.
Identifiers: ClinVar variation 3602221 (VCV003602221.1).
Genomic context (GRCh38, chr9:136,497,299, plus strand): 5'-GCCAGGCCTTTGCTGCTGGGCTTGCGGACCTTCTTGCCCTGCACGCCGGGCTTGAGGCTG[C>A]CCAGGTAGCCGTTGGGCGAGCAGAGCGGGGGCGACAGGGTGGGCGTGCCCCCCAGCGGGG-3'
Protein context (NP_060087.3, residues 2137-2157): PPLCSPNGYL[Gly2147Val]SLKPGVQGKK

ClinVar aggregate classification (germline): Uncertain significance (1 of 4 stars; one submission).

gnomAD v4.1: 1 of 1,608,118 alleles (0.000062%); highest among the groups gnomAD compares: Non-Finnish European, 0.000085%; no homozygotes.

Submission:

GeneDx
Classification: Uncertain significance. Last evaluated: 2024-08-01. Review status: criteria provided, single submitter. Criteria: GeneDx Variant Classification Process June 2021. Collection method: clinical testing. Allele origin: germline. Affected: yes.
Comment: Has not been previously published as pathogenic or benign to our knowledge; Not observed at significant frequency in large population cohorts (gnomAD); In silico analysis supports that this missense variant has a deleterious effect on protein structure/function